The following is an entry in ClinVar:

NM_178014.4(TUBB):c.895A>G (p.Met299Val)

Gene: TUBB (tubulin beta class I; plus strand). Cytogenetic location: 6p21.33.
Variant type: single nucleotide variant.
Coding change: c.895A>G on transcript NM_178014.4 (MANE Select); coding-DNA position 895, A replaced by G.
Protein change: p.Met299Val; replaces methionine 299 with valine.
Molecular consequence: missense variant. On other transcripts: non-coding transcript variant (1), intron variant (1).
Genome position (GRCh38, 1-based): chr6:30,723,957, A>G. VCF-style: chr6-30723957-A-G. GRCh37 (hg19) VCF-style: chr6-30691734-A-G.
Other names: c.955A>G, p.Met319Val (NM_001293212.2); c.763A>G, p.Met255Val (NM_001293214.2); c.679A>G, p.Met227Val (NM_001293215.2, NM_001293216.2); c.370-81A>G (NM_001293213.2); c.895A>G (NM_178014.3); short protein forms M299V, M227V, M255V, M319V.
Identifiers: ClinVar variation 127189 (VCV000127189.12), dbSNP rs587777355, ClinGen allele CA151415.

ClinVar aggregate classification (germline): Pathogenic. Review status: criteria provided, multiple submitters, no conflicts (2 of 4 stars). 8 submissions from 8 submitters: Pathogenic (6). 2 of the submissions do not count toward it. Last evaluated 2024-03-04.

Conditions:
Inborn genetic diseases. Identifiers: MedGen C0950123, MeSH D030342.
Complex cortical dysplasia with other brain malformations 6. Identifiers: MedGen C4014283, MONDO:0014341, OMIM 615771.

Submissions (8):

Institute of Human Genetics, University of Leipzig Medical Center
Classification: Pathogenic for Complex cortical dysplasia with other brain malformations 6. Last evaluated: 2024-03-04. Review status: criteria provided, single submitter. Criteria: ACMG Guidelines, 2015. Collection method: clinical testing. Allele origin: de novo. Inheritance: Autosomal dominant inheritance. Affected: yes.
Comment: Criteria applied: PS2,PS4_MOD,PS3_SUP,PM2_SUP,PP2,PP3

3billion
Classification: Pathogenic for Complex cortical dysplasia with other brain malformations 6. Last evaluated: 2023-11-21. Review status: criteria provided, single submitter. Criteria: ACMG Guidelines, 2015. Collection method: clinical testing. Allele origin: germline. Affected: yes.
Comment: The variant is not observed in the gnomAD v2.1.1 dataset. Predicted Consequence/Location: Missense changes are a common disease-causing mechanism. In silico tool predictions suggest damaging effect of the variant on gene or gene product [REVEL: 0.87 (>=0.6, sensitivity 0.68 and specificity 0.92); 3Cnet: 0.90 (>=0.6, sensitivity 0.72 and precision 0.9)]. Same nucleotide change resulting in same amino acid change has been previously reported as pathogenic/likely pathogenic with strong evidence (ClinVar ID: VCV000127189 /PMID: 23246003). The variant has been previously reported as de novo in a similarly affected individual (PMID: 23246003). A different missense change at the same codon (p.Met299Ile) has been reported to be associated with TUBB -related disorder (ClinVar ID: VCV001338518). Therefore, this variant is classified as Pathogenic according to the recommendation of ACMG/AMP guideline.

GeneDx
Classification: Pathogenic. Last evaluated: 2023-08-07. Review status: criteria provided, single submitter. Criteria: GeneDx Variant Classification Process June 2021. Collection method: clinical testing. Allele origin: germline. Affected: yes.
Comment: Published functional studies demonstrate impaired neuronal morphology, migration, microtubule assembly, and positioning (Breuss et al., 2012; Ngo et al., 2014); Not observed in large population cohorts (gnomAD); In silico analysis supports that this missense variant has a deleterious effect on protein structure/function; This variant is associated with the following publications: (PMID: 28347630, 23246003, 24833723, 32085672, 30738969, 28412269)

Ambry Genetics
Classification: Pathogenic for Inborn genetic diseases. Last evaluated: 2023-02-22. Review status: criteria provided, single submitter. Criteria: Ambry Variant Classification Scheme 2023. Collection method: clinical testing. Allele origin: germline.
Comment: The c.895A>G (p.M299V) alteration is located in exon 4 (coding exon 4) of the TUBB gene. This alteration results from an A to G substitution at nucleotide position 895, causing the methionine (M) at amino acid position 299 to be replaced by a valine (V). This variant was not reported in population-based cohorts in the Genome Aggregation Database (gnomAD). This variant has been previously reported as a de novo occurrence in an individual with microcephaly, brain anomalies, developmental delay, ataxia, retinal dysplasia, and micro-ophthalmia (Breuss, 2012; Ngo, 2014). This amino acid position is highly conserved in available vertebrate species. This missense alteration is located in a region that has a low rate of benign missense variation (Lek, 2016; Firth, 2009). This alteration is predicted to be deleterious by in silico analysis. Based on the available evidence, this alteration is classified as pathogenic.

MGZ Medical Genetics Center
Classification: Pathogenic for Complex cortical dysplasia with other brain malformations 6. Last evaluated: 2021-11-22. Review status: criteria provided, single submitter. Criteria: ACMG Guidelines, 2015. Collection method: clinical testing. Allele origin: germline. Affected: yes. Observed: 1 variant allele.
Comment: ACMG criteria applied: PS3, PM1, PM6, PM2_SUP, PP2, PP3

Equipe Genetique des Anomalies du Developpement, Université de Bourgogne
Classification: Pathogenic for Complex cortical dysplasia with other brain malformations 6. Review status: criteria provided, single submitter. Criteria: ACMG Guidelines, 2015. Collection method: clinical testing. Allele origin: de novo. Inheritance: Autosomal dominant inheritance. Affected: yes.

Solve-RD Consortium
Classification: Likely pathogenic for Complex cortical dysplasia with other brain malformations 6. Last evaluated: 2022-06-01. Review status: no assertion criteria provided. Collection method: provider interpretation. Allele origin: inherited. Affected: yes. Not counted in ClinVar's aggregate classification.
Comment: Variant confirmed as disease-causing by referring clinical team

Variant identified during reanalysis of unsolved cases by the Solve-RD project. The Solve-RD project has received funding from the European Union’s Horizon 2020 research and innovation programme under grant agreement No 779257.

OMIM
Classification: Pathogenic for CORTICAL DYSPLASIA, COMPLEX, WITH OTHER BRAIN MALFORMATIONS 6. Last evaluated: 2012-12-27. Review status: no assertion criteria provided. Collection method: literature only. Allele origin: germline. Not counted in ClinVar's aggregate classification.

Literature cited by the submitters: PubMed 23246003 (cited by 3 submitters); PubMed 24833723 (cited by Ambry Genetics); PubMed 39825153 (cited by Solve-RD Consortium); Breuss, M., Heng, J. I.-T., Poirier, K., Tian, G., Jaglin, X. H., Qu, Z., Braun, A., Gstrein, T., Ngo, L., Haas, M., Bahi-Buisson, N., Moutard, M. L., and 11 others Mutations in the beta-tubulin gene TUBB5 cause microcephaly with structural brain abnormalities. Cell Rep. 2: 1554-1562, 2012. (cited by OMIM).